The following is an entry in ClinVar:

ClinVar aggregate classification (germline): Uncertain significance (1 of 4 stars; one submission).

gnomAD v4.1: 54 of 1,601,724 alleles (0.0034%); highest among the groups gnomAD compares: East Asian, 0.0045%; 1 homozygote.

Submission:

Labcorp Genetics (formerly Invitae), Labcorp
Classification: Uncertain significance. Last evaluated: 2025-10-13. Review status: criteria provided, single submitter. Criteria: Invitae Variant Classification Sherloc (09022015). Collection method: clinical testing. Allele origin: germline.
Comment: This sequence change replaces arginine, which is basic and polar, with histidine, which is basic and polar, at codon 1171 of the TBCD protein (p.Arg1171His). The frequency data for this variant in the population databases is considered unreliable, as metrics indicate poor data quality at this position in the gnomAD database. This variant has not been reported in the literature in individuals affected with TBCD-related conditions. ClinVar contains an entry for this variant (Variation ID: 2164280). Invitae Evidence Modeling of protein sequence and biophysical properties (such as structural, functional, and spatial information, amino acid conservation, physicochemical variation, residue mobility, and thermodynamic stability) indicates that this missense variant is expected to disrupt TBCD protein function with a positive predictive value of 80%. In summary, the available evidence is currently insufficient to determine the role of this variant in disease. Therefore, it has been classified as a Variant of Uncertain Significance.

NM_005993.5(TBCD):c.3512G>A (p.Arg1171His)

Gene: TBCD (tubulin folding cofactor D). Cytogenetic location: 17q25.3.
Variant type: single nucleotide variant.
Coding change: c.3512G>A on transcript NM_005993.5 (MANE Select); coding-DNA position 3512, G replaced by A.
Protein change: p.Arg1171His; replaces arginine 1171 with histidine.
Molecular consequence: missense variant.
Genome position (GRCh38, 1-based): chr17:82,941,431, G>A. VCF-style: chr17-82941431-G-A. GRCh37 (hg19) VCF-style: chr17-80899307-G-A.
Other names: c.3461G>A, p.Arg1154His (NM_001411101.1); c.3431G>A, p.Arg1144His (NM_001411102.1); short protein forms R1154H, R1171H, R1144H.
Identifiers: ClinVar variation 2164280 (VCV002164280.2), dbSNP rs775453008, ClinGen allele CA8863680.